The following is an entry in ClinVar:

ClinVar aggregate classification (germline): Uncertain significance. Review status: criteria provided, multiple submitters, no conflicts (2 of 4 stars). 2 submissions from 2 submitters: Uncertain significance (2). Last evaluated 2026-07-06.

Conditions:
Inborn genetic diseases. Identifiers: MedGen C0950123, MeSH D030342.
Wilms tumor 1 (WT1). Also called: Wilms tumor, somatic. Identifiers: Orphanet 654, MedGen CN033288, MONDO:0008679, OMIM 194070.
11p partial monosomy syndrome (WAGR). Also called: WAGR syndrome; WAGR Complex; CHROMOSOME 11p13 DELETION SYNDROME; WAGR Spectrum Disorder. Identifiers: Orphanet 893, MedGen C0206115, MONDO:0008681, OMIM 194072.
Drash syndrome (DDS). Also called: WILMS TUMOR AND PSEUDO- OR TRUE HERMAPHRODITISM; NEPHROPATHY, WILMS TUMOR, AND GENITAL ANOMALIES. Identifiers: Orphanet 220, MedGen C0950121, MONDO:0008682, OMIM 194080.
Frasier syndrome. Identifiers: Orphanet 347, MedGen C0950122, MeSH D052159, MONDO:0007635, OMIM 136680.

Allele frequency attached by ClinVar (database versions not stated): gnomAD exomes below 0.00001.
gnomAD v4.1: 1 of 1,611,894 alleles (0.000062%); no homozygotes.

Submissions (2):

Ambry Genetics
Classification: Uncertain significance for Inborn genetic diseases. Last evaluated: 2026-07-06. Review status: criteria provided, single submitter. Criteria: Ambry Variant Classification Scheme 2023. Collection method: clinical testing. Allele origin: germline.
Comment: The p.E153K variant (also known as c.457G>A), located in coding exon 1 of the WT1 gene, results from a G to A substitution at nucleotide position 457. The glutamic acid at codon 153 is replaced by lysine, an amino acid with similar properties. This amino acid position is well conserved in available vertebrate species. In addition, the in silico prediction for this alteration is inconclusive. Based on the available evidence, the clinical significance of this variant remains unclear.

Labcorp Genetics (formerly Invitae), Labcorp
Classification: Uncertain significance for Wilms tumor 1; Drash syndrome; 11p partial monosomy syndrome; Frasier syndrome. Last evaluated: 2021-01-15. Review status: criteria provided, single submitter. Criteria: Invitae Variant Classification Sherloc (09022015). Collection method: clinical testing. Allele origin: germline.
Comment: In summary, the available evidence is currently insufficient to determine the role of this variant in disease. Therefore, it has been classified as a Variant of Uncertain Significance. Algorithms developed to predict the effect of missense changes on protein structure and function are either unavailable or do not agree on the potential impact of this missense change (SIFT: "Deleterious"; PolyPhen-2: "Possibly Damaging"; Align-GVGD: "Class C15"). This variant has not been reported in the literature in individuals with WT1-related conditions. This variant is not present in population databases (ExAC no frequency). This sequence change replaces glutamic acid with lysine at codon 153 of the WT1 protein (p.Glu153Lys). The glutamic acid residue is highly conserved and there is a small physicochemical difference between glutamic acid and lysine.

NM_024426.6(WT1):c.472G>A (p.Glu158Lys)

Genes: WT1 (WT1 transcription factor; minus strand), LOC107982234 (WT1/WT1-AS bi-directional promoter region; plus strand). Cytogenetic location: 11p13.
Variant type: single nucleotide variant.
Coding change: c.472G>A on transcript NM_024426.6 (MANE Select); coding-DNA position 472, G replaced by A.
Protein change: p.Glu158Lys; replaces glutamic acid 158 with lysine.
Molecular consequence: missense variant. On other transcripts: non-coding transcript variant (1).
Genome position (GRCh38, 1-based): chr11:32,434,889, C>T on the plus strand (G>A on the coding strand, the complement: WT1 is on the minus strand). VCF-style: chr11-32434889-C-T. GRCh37 (hg19) VCF-style: chr11-32456435-C-T.
Other names: c.472G>A, p.Glu158Lys (NM_000378.6, NM_024424.5); c.457G>A (NM_024426.4); short protein forms E158K.
Identifiers: ClinVar variation 1392603 (VCV001392603.9), dbSNP rs1565001383, ClinGen allele CA379964973.